The following is an entry in ClinVar:

NM_003285.3(TNR):c.2950G>A (p.Val984Ile)

Gene: TNR (tenascin R; minus strand). Cytogenetic location: 1q25.1.
Variant type: single nucleotide variant.
Coding change: c.2950G>A on transcript NM_003285.3 (MANE Select); coding-DNA position 2950, G replaced by A.
Protein change: p.Val984Ile; replaces valine 984 with isoleucine.
Molecular consequence: missense variant.
Genome position (GRCh38, 1-based): chr1:175,359,636, C>T on the plus strand (G>A on the coding strand, the complement: TNR is on the minus strand). VCF-style: chr1-175359636-C-T. GRCh37 (hg19) VCF-style: chr1-175328772-C-T.
Other names: c.2950G>A (NM_003285.2); c.1951G>A, p.Val651Ile (NM_001328635.2); short protein forms V651I, V984I.
Identifiers: ClinVar variation 3234421 (VCV003234421.20), dbSNP rs764383442, ClinGen allele CA1255485.

ClinVar aggregate classification (germline): Uncertain significance. Review status: criteria provided, multiple submitters, no conflicts (2 of 4 stars). 2 submissions from 2 submitters: Uncertain significance (2). Last evaluated 2025-04-12.

Conditions:
Inborn genetic diseases. Identifiers: MedGen C0950123, MeSH D030342.

Allele frequency attached by ClinVar (database versions not stated): gnomAD exomes 0.00004; ExAC 0.00007; gnomAD 0.00007; TOPMed 0.00011.
gnomAD v4.1: 74 of 1,613,630 alleles (0.0046%); highest among the groups gnomAD compares: South Asian, 0.015%; no homozygotes.

Submissions (2):

Ambry Genetics
Classification: Uncertain significance for Inborn genetic diseases. Last evaluated: 2025-04-12. Review status: criteria provided, single submitter. Criteria: Ambry Variant Classification Scheme 2023. Collection method: clinical testing. Allele origin: germline.

CeGaT Center for Human Genetics Tuebingen
Classification: Uncertain significance. Last evaluated: 2024-04-01. Review status: criteria provided, single submitter. Criteria: CeGaT Center For Human Genetics Tuebingen Variant Classification Criteria Version 2. Collection method: clinical testing. Allele origin: germline. Affected: yes. Observed: 1 variant allele.
Comment: TNR: PM2, BP4